The following is an entry in ClinVar:

ClinVar aggregate classification (germline): Benign/Likely benign. Review status: criteria provided, multiple submitters, no conflicts (2 of 4 stars). 5 submissions from 5 submitters: Benign (2); Likely benign (1). 2 of the submissions do not count toward it. Last evaluated 2022-03-02.

Conditions:
Spermatogenic failure 11 (SPGF11). Identifiers: MedGen C3554453, MONDO:0014037, OMIM 615081.

Allele frequency attached by ClinVar (database versions not stated): gnomAD exomes 0.00035 and 0.00098; ExAC 0.00125; ESP Exome Variant Server 0.00236; gnomAD 0.00348 and 0.00367; TOPMed 0.00388; 1000 Genomes Project 0.00479; 1000 Genomes Project 30x 0.00515.
gnomAD v4.1: 1,070 of 1,614,166 alleles (0.066%); highest among the groups gnomAD compares: African/African-American, 1.2%; 12 homozygotes.

Submissions (5):

Fulgent Genetics
Classification: Likely benign for Spermatogenic failure 11. Last evaluated: 2022-03-02. Review status: criteria provided, single submitter. Criteria: ACMG Guidelines, 2015. Collection method: clinical testing. Allele origin: unknown.

Labcorp Genetics (formerly Invitae), Labcorp
Classification: Benign. Last evaluated: 2019-12-31. Review status: criteria provided, single submitter. Criteria: Invitae Variant Classification Sherloc (09022015). Collection method: clinical testing. Allele origin: germline.

Breakthrough Genomics
Classification: Benign. Review status: criteria provided, single submitter. Criteria: ACMG Guidelines, 2015. Collection method: not provided. Allele origin: germline. Inheritance: Autosomal dominant inheritance. Affected: yes.

Reproductive Health Research and Development, BGI Genomics
Classification: Uncertain significance for Spermatogenic failure 11. Last evaluated: 2020-01-06. Review status: no assertion criteria provided. Collection method: curation. Allele origin: germline. Not counted in ClinVar's aggregate classification.
Comment: NM_152467.3:c.647A>C in the KLHL10 gene has an allele frequency of 0.013 in African subpopulation in the gnomAD database. This variant has been detected in four individual with oligozoospermia (PMID: 17047026). We interpret it as variant of uncertain significance (VUS). ACMG/AMP criteria applied: BS1, PP4.

OMIM
Classification: Pathogenic for SPERMATOGENIC FAILURE 11. Last evaluated: 2006-12-01. Review status: no assertion criteria provided. Collection method: literature only. Allele origin: germline. Not counted in ClinVar's aggregate classification.

Literature cited by the submitters: PubMed 17047026 (cited by OMIM).

NM_152467.5(KLHL10):c.647A>C (p.Gln216Pro)

Gene: KLHL10 (kelch like family member 10; plus strand). Cytogenetic location: 17q21.2.
Variant type: single nucleotide variant.
Coding change: c.647A>C on transcript NM_152467.5 (MANE Select); coding-DNA position 647, A replaced by C.
Protein change: p.Gln216Pro; replaces glutamine 216 with proline.
Molecular consequence: missense variant.
Genome position (GRCh38, 1-based): chr17:41,842,275, A>C. VCF-style: chr17-41842275-A-C. GRCh37 (hg19) VCF-style: chr17-39998527-A-C.
Other names: c.647A>C, p.Gln216Pro (NM_001329595.1); c.383A>C, p.Gln128Pro (NM_001329596.2); short protein forms Q216P, Q128P.
Identifiers: ClinVar variation 40008 (VCV000040008.9), dbSNP rs116420871, ClinGen allele CA130709.